The following is an entry in ClinVar:

NM_024577.4(SH3TC2):c.1253A>C (p.Gln418Pro)

Gene: SH3TC2 (SH3 domain and tetratricopeptide repeats 2; minus strand). Cytogenetic location: 5q32.
Variant type: single nucleotide variant.
Coding change: c.1253A>C on transcript NM_024577.4 (MANE Select); coding-DNA position 1253, A replaced by C.
Protein change: p.Gln418Pro; replaces glutamine 418 with proline.
Molecular consequence: missense variant.
Genome position (GRCh38, 1-based): chr5:149,028,479, T>G on the plus strand (A>C on the coding strand, the complement: SH3TC2 is on the minus strand). VCF-style: chr5-149028479-T-G. GRCh37 (hg19) VCF-style: chr5-148408042-T-G.
Other names: c.1253A>C (NM_024577.3); short protein forms Q418P.
Identifiers: ClinVar variation 1416591 (VCV001416591.7), dbSNP rs1441405268, ClinGen allele CA361669408.

ClinVar aggregate classification (germline): Uncertain significance. Review status: criteria provided, multiple submitters, no conflicts (2 of 4 stars). 2 submissions from 2 submitters: Uncertain significance (2). Last evaluated 2025-07-08.

Conditions:
Inborn genetic diseases. Identifiers: MedGen C0950123, MeSH D030342.
Charcot-Marie-Tooth disease type 4. Also called: Charcot-Marie-Tooth disease, type IV; Charcot-Marie-Tooth, Type 4. Identifiers: Orphanet 64749, MedGen C4082197, MONDO:0018995.

Allele frequency attached by ClinVar (database versions not stated): gnomAD exomes below 0.00001.
gnomAD v4.1: 5 of 1,611,994 alleles (0.00031%); highest among the groups gnomAD compares: Non-Finnish European, 0.00034%; no homozygotes.

Submissions (2):

Ambry Genetics
Classification: Uncertain significance for Inborn genetic diseases. Last evaluated: 2025-07-08. Review status: criteria provided, single submitter. Criteria: Ambry Variant Classification Scheme 2023. Collection method: clinical testing. Allele origin: germline.

Labcorp Genetics (formerly Invitae), Labcorp
Classification: Uncertain significance for Charcot-Marie-Tooth disease type 4. Last evaluated: 2021-11-01. Review status: criteria provided, single submitter. Criteria: Invitae Variant Classification Sherloc (09022015). Collection method: clinical testing. Allele origin: germline.
Comment: This variant has not been reported in the literature in individuals affected with SH3TC2-related conditions. In summary, the available evidence is currently insufficient to determine the role of this variant in disease. Therefore, it has been classified as a Variant of Uncertain Significance. Advanced modeling of protein sequence and biophysical properties (such as structural, functional, and spatial information, amino acid conservation, physicochemical variation, residue mobility, and thermodynamic stability) performed at Invitae indicates that this missense variant is not expected to disrupt SH3TC2 protein function. This variant is present in population databases (no rsID available, gnomAD 0.0009%). This sequence change replaces glutamine, which is neutral and polar, with proline, which is neutral and non-polar, at codon 418 of the SH3TC2 protein (p.Gln418Pro).